The following is an entry in ClinVar:

ClinVar aggregate classification (germline): Uncertain significance. Review status: criteria provided, multiple submitters, no conflicts (2 of 4 stars). 2 submissions from 2 submitters: Uncertain significance (2). Last evaluated 2023-12-04.

Conditions:
Cardiomyopathy (CMYO). Also called: Cardiomyopathies. Identifiers: Orphanet 167848, MedGen C0878544, MONDO:0004994, HP:0001638. Inheritance: Various modes of inheritance.

Allele frequency attached by ClinVar (database versions not stated): gnomAD exomes 0.00001.
gnomAD v4.1: 7 of 1,614,174 alleles (0.00043%); highest among the groups gnomAD compares: Non-Finnish European, 0.00059%; no homozygotes.

Submissions (2):

Color Diagnostics, LLC DBA Color Health
Classification: Uncertain significance for Cardiomyopathy. Last evaluated: 2023-12-04. Review status: criteria provided, single submitter. Criteria: ACMG Guidelines, 2015. Collection method: clinical testing. Allele origin: germline.
Comment: This missense variant replaces glutamic acid with aspartic acid at codon 1211 of the DSP protein. Computational prediction tools and conservation analyses are inconclusive regarding the impact of this variant on the protein function. Computational splicing tools suggest that this variant may not impact RNA splicing. To our knowledge, functional assays have not been performed for this variant nor has this variant been reported in individuals affected with cardiovascular disorders in the literature. This variant has not been identified in the general population by the Genome Aggregation Database (gnomAD). Available evidence is insufficient to determine the role of this variant in disease conclusively. Therefore, this variant is classified as a Variant of Uncertain Significance.

CHEO Genetics Diagnostic Laboratory, Children's Hospital of Eastern Ontario
Classification: Uncertain significance for Cardiomyopathy. Last evaluated: 2021-10-18. Review status: criteria provided, single submitter. Criteria: ACMG Guidelines, 2015. Collection method: clinical testing. Allele origin: germline.

NM_004415.4(DSP):c.3633A>C (p.Glu1211Asp)

Gene: DSP (desmoplakin; plus strand). Cytogenetic location: 6p24.3.
Variant type: single nucleotide variant.
Coding change: c.3633A>C on transcript NM_004415.4 (MANE Select); coding-DNA position 3633, A replaced by C.
Protein change: p.Glu1211Asp; replaces glutamic acid 1211 with aspartic acid.
Molecular consequence: missense variant. On other transcripts: intron variant (1).
Genome position (GRCh38, 1-based): chr6:7,579,823, A>C. VCF-style: chr6-7579823-A-C. GRCh37 (hg19) VCF-style: chr6-7580056-A-C.
Other names: c.3633A>C, p.Glu1211Asp (NM_001319034.2); c.3582+51A>C (NM_001008844.3); short protein forms E1211D.
Identifiers: ClinVar variation 925677 (VCV000925677.7), dbSNP rs1759362068, ClinGen allele CA362684512.